The following is an entry in ClinVar:

ClinVar aggregate classification (germline): Uncertain significance (1 of 4 stars; one submission).

Conditions:
Hereditary breast ovarian cancer syndrome. Also called: Breast and ovarian cancer; BRCA1- and BRCA2-Associated Hereditary Breast and Ovarian Cancer; Hereditary breast and ovarian cancer; Hereditary breast and/or ovarian cancer syndrome; Hereditary breast and ovarian cancer syndrome; Hereditary breast and ovarian cancer syndrome (HBOC). Identifiers: Orphanet 145, MedGen C0677776, MeSH D061325, MONDO:0003582. Disease mechanism: loss of function.

Submission:

Labcorp Genetics (formerly Invitae), Labcorp
Classification: Uncertain significance for Hereditary breast ovarian cancer syndrome. Last evaluated: 2022-06-19. Review status: criteria provided, single submitter. Criteria: Invitae Variant Classification Sherloc (09022015). Collection method: clinical testing. Allele origin: germline.
Comment: In summary, the available evidence is currently insufficient to determine the role of this variant in disease. Therefore, it has been classified as a Variant of Uncertain Significance. Advanced modeling of protein sequence and biophysical properties (such as structural, functional, and spatial information, amino acid conservation, physicochemical variation, residue mobility, and thermodynamic stability) performed at Invitae indicates that this missense variant is expected to disrupt BRCA2 protein function. This missense change has been observed in individual(s) with breast cancer (PMID: 30287823). This variant is not present in population databases (gnomAD no frequency). This sequence change replaces glycine, which is neutral and non-polar, with glutamic acid, which is acidic and polar, at codon 2593 of the BRCA2 protein (p.Gly2593Glu).

Literature cited by the submitters: PubMed 30287823.

NM_000059.4(BRCA2):c.7778G>A (p.Gly2593Glu)

Gene: BRCA2 (BRCA2 DNA repair associated; plus strand). Cytogenetic location: 13q13.1.
Variant type: single nucleotide variant.
Coding change: c.7778G>A on transcript NM_000059.4 (MANE Select); coding-DNA position 7778, G replaced by A.
Protein change: p.Gly2593Glu; replaces glycine 2593 with glutamic acid.
Molecular consequence: missense variant.
Genome position (GRCh38, 1-based): chr13:32,357,902, G>A. VCF-style: chr13-32357902-G-A. GRCh37 (hg19) VCF-style: chr13-32932039-G-A.
Other names: c.7682G>A, p.Gly2561Glu (NM_001406719.1); c.7778G>A, p.Gly2593Glu (NM_001406720.1); c.2846G>A, p.Gly949Glu (NM_001406721.1); c.1361G>A, p.Gly454Glu (NM_001406722.1); short protein forms G949E, G454E, G2561E, G2593E.
Identifiers: ClinVar variation 2159522 (VCV002159522.4), dbSNP rs2137567671, ClinGen allele CA387745964.